The following is an entry in ClinVar:

ClinVar aggregate classification (germline): Uncertain significance. Review status: criteria provided, multiple submitters, no conflicts (2 of 4 stars). 3 submissions from 3 submitters: Uncertain significance (3). Last evaluated 2026-07-16.

Conditions:
Gastrointestinal stromal tumor. Also called: Gastrointestinal stroma tumor; Gastrointestinal stromal tumor, somatic. Identifiers: Orphanet 44890, MedGen C0238198, MeSH D046152, MONDO:0011719, OMIM 606764, HP:0100723.
PDGFRA-related disorder. Also called: PDGFRA-related condition.
Hereditary cancer-predisposing syndrome. Also called: Hereditary neoplastic syndrome; Hereditary Cancer Syndrome; Neoplastic Syndromes, Hereditary; Tumor predisposition. Identifiers: Orphanet 140162, MedGen C0027672, MeSH D009386, MONDO:0015356.

Allele frequency attached by ClinVar (database versions not stated): ExAC 0.00001; gnomAD exomes 0.00001; TOPMed 0.00001.
gnomAD v4.1: 8 of 1,614,116 alleles (0.0005%); highest among the groups gnomAD compares: East Asian, 0.0067%; no homozygotes.

Submissions (3):

PreventionGenetics, part of Exact Sciences
Classification: Uncertain significance for PDGFRA-related condition. Last evaluated: 2026-07-16. Review status: criteria provided, single submitter. Criteria: ACMG Guidelines, 2015. Collection method: clinical testing. Allele origin: germline.
Comment: The PDGFRA c.1421C>T variant is predicted to result in the amino acid substitution p.Thr474Met. This variant has been reported in one control and one individual with non-syndromic cleft palate (Rattanasopha et al. 2012. PubMed ID: 22473090). This variant is reported in 0.0054% of alleles in individuals of East Asian descent in gnomAD and is classified as uncertain in ClinVar (Variation ID: 528499). At this time, the clinical significance of this variant is uncertain due to the absence of conclusive functional and genetic evidence.

Labcorp Genetics (formerly Invitae), Labcorp
Classification: Uncertain significance for Gastrointestinal stromal tumor. Last evaluated: 2026-01-19. Review status: criteria provided, single submitter. Criteria: Invitae Variant Classification Sherloc (09022015). Collection method: clinical testing. Allele origin: germline.
Comment: This sequence change replaces threonine, which is neutral and polar, with methionine, which is neutral and non-polar, at codon 474 of the PDGFRA protein (p.Thr474Met). This variant is present in population databases (rs751618661, gnomAD 0.006%). This missense change has been observed in individual(s) with non-syndromic cleft palate (PMID: 22473090). This variant is also known as c.1420C>T. ClinVar contains an entry for this variant (Variation ID: 528499). An algorithm developed to predict the effect of missense changes on protein structure and function outputs the following: PolyPhen-2: "Benign". The methionine amino acid residue is found in multiple mammalian species, which suggests that this missense change does not adversely affect protein function. In summary, the available evidence is currently insufficient to determine the role of this variant in disease. Therefore, it has been classified as a Variant of Uncertain Significance.

Ambry Genetics
Classification: Uncertain significance for Hereditary cancer-predisposing syndrome. Last evaluated: 2024-09-24. Review status: criteria provided, single submitter. Criteria: Ambry Variant Classification Scheme 2023. Collection method: clinical testing. Allele origin: germline.
Comment: The p.T474M variant (also known as c.1421C>T), located in coding exon 9 of the PDGFRA gene, results from a C to T substitution at nucleotide position 1421. The threonine at codon 474 is replaced by methionine, an amino acid with similar properties. This amino acid position is poorly conserved in available vertebrate species. In addition, this alteration is predicted to be tolerated by in silico analysis. Since supporting evidence is limited at this time, the clinical significance of this alteration remains unclear.

Literature cited by the submitters: PubMed 22473090 (cited by Labcorp Genetics (formerly Invitae), Labcorp).

NM_006206.6(PDGFRA):c.1421C>T (p.Thr474Met)

Gene: PDGFRA (platelet derived growth factor receptor alpha; plus strand). Cytogenetic location: 4q12.
Variant type: single nucleotide variant.
Coding change: c.1421C>T on transcript NM_006206.6 (MANE Select); coding-DNA position 1421, C replaced by T.
Protein change: p.Thr474Met; replaces threonine 474 with methionine.
Molecular consequence: missense variant.
Genome position (GRCh38, 1-based): chr4:54,273,593, C>T. VCF-style: chr4-54273593-C-T. GRCh37 (hg19) VCF-style: chr4-55139760-C-T.
Other names: c.1421C>T (NM_006206.5); c.1421C>T, p.Thr474Met (NM_001347827.2, NM_001347829.2); c.1496C>T, p.Thr499Met (NM_001347828.2); c.1460C>T, p.Thr487Met (NM_001347830.2); short protein forms T474M, T487M, T499M.
Identifiers: ClinVar variation 528499 (VCV000528499.15), dbSNP rs751618661, ClinGen allele CA2922560.